The following is an entry in ClinVar:

ClinVar aggregate classification (germline): Uncertain significance. Review status: criteria provided, multiple submitters, no conflicts (2 of 4 stars). 2 submissions from 2 submitters: Uncertain significance (2). Last evaluated 2024-12-18.

Submissions (2):

Labcorp Genetics (formerly Invitae), Labcorp
Classification: Uncertain significance. Last evaluated: 2024-12-18. Review status: criteria provided, single submitter. Criteria: Invitae Variant Classification Sherloc (09022015). Collection method: clinical testing. Allele origin: germline.
Comment: This sequence change replaces histidine, which is basic and polar, with arginine, which is basic and polar, at codon 882 of the TOPORS protein (p.His882Arg). This variant is not present in population databases (gnomAD no frequency). This variant has not been reported in the literature in individuals affected with TOPORS-related conditions. Experimental studies and prediction algorithms are not available or were not evaluated, and the functional significance of this variant is currently unknown. In summary, the available evidence is currently insufficient to determine the role of this variant in disease. Therefore, it has been classified as a Variant of Uncertain Significance.

Blueprint Genetics
Classification: Uncertain significance. Last evaluated: 2023-03-24. Review status: criteria provided, single submitter. Criteria: ACMG Guidelines, 2015. Collection method: clinical testing. Allele origin: germline.

NM_005802.5(TOPORS):c.2645A>G (p.His882Arg)

Gene: TOPORS (TOP1 binding arginine/serine rich protein, E3 ubiquitin ligase; minus strand). Cytogenetic location: 9p21.1.
Variant type: single nucleotide variant.
Coding change: c.2645A>G on transcript NM_005802.5 (MANE Select); coding-DNA position 2645, A replaced by G.
Protein change: p.His882Arg; replaces histidine 882 with arginine.
Molecular consequence: missense variant.
Genome position (GRCh38, 1-based): chr9:32,541,880, T>C on the plus strand (A>G on the coding strand, the complement: TOPORS is on the minus strand). VCF-style: chr9-32541880-T-C. GRCh37 (hg19) VCF-style: chr9-32541878-T-C.
Other names: c.2450A>G, p.His817Arg (NM_001195622.2); short protein forms H817R, H882R.
Identifiers: ClinVar variation 3687719 (VCV003687719.3).